The following is an entry in ClinVar:

NM_003801.4(GPAA1):c.20C>T (p.Pro7Leu)

Genes: GPAA1 (glycosylphosphatidylinositol anchor attachment 1; plus strand), LOC130001364 (ATAC-STARR-seq lymphoblastoid silent region 19654; plus strand). Cytogenetic location: 8q24.3.
Variant type: single nucleotide variant.
Coding change: c.20C>T on transcript NM_003801.4 (MANE Select); coding-DNA position 20, C replaced by T.
Protein change: p.Pro7Leu; replaces proline 7 with leucine.
Molecular consequence: missense variant.
Genome position (GRCh38, 1-based): chr8:144,082,750, C>T. VCF-style: chr8-144082750-C-T. GRCh37 (hg19) VCF-style: chr8-145137653-C-T.
Other names: short protein forms P7L.
Identifiers: ClinVar variation 1498537 (VCV001498537.9), dbSNP rs2129936594, ClinGen allele CA372597233.

ClinVar aggregate classification (germline): Uncertain significance. Review status: criteria provided, multiple submitters, no conflicts (2 of 4 stars). 2 submissions from 2 submitters: Uncertain significance (2). Last evaluated 2023-12-04.

Submissions (2):

Blueprint Genetics
Classification: Uncertain significance. Last evaluated: 2023-12-04. Review status: criteria provided, single submitter. Criteria: ACMG Guidelines, 2015. Collection method: clinical testing. Allele origin: germline.

Labcorp Genetics (formerly Invitae), Labcorp
Classification: Uncertain significance. Last evaluated: 2023-07-10. Review status: criteria provided, single submitter. Criteria: Invitae Variant Classification Sherloc (09022015). Collection method: clinical testing. Allele origin: germline.
Comment: This variant has not been reported in the literature in individuals affected with GPAA1-related conditions. In summary, the available evidence is currently insufficient to determine the role of this variant in disease. Therefore, it has been classified as a Variant of Uncertain Significance. An algorithm developed to predict the effect of missense changes on protein structure and function (PolyPhen-2) suggests that this variant is likely to be disruptive. ClinVar contains an entry for this variant (Variation ID: 1498537). This variant is not present in population databases (gnomAD no frequency). This sequence change replaces proline, which is neutral and non-polar, with leucine, which is neutral and non-polar, at codon 7 of the GPAA1 protein (p.Pro7Leu).